The following is an entry in ClinVar:

ClinVar aggregate classification (germline): Pathogenic. Review status: criteria provided, multiple submitters, no conflicts (2 of 4 stars). 2 submissions from 2 submitters: Pathogenic (2). Last evaluated 2025-05-09.

Conditions:
Fabry disease. Also called: Fabry's disease; ALPHA-GALACTOSIDASE A DEFICIENCY; ANDERSON-FABRY DISEASE; CERAMIDE TRIHEXOSIDASE DEFICIENCY; GLA DEFICIENCY; HEREDITARY DYSTOPIC LIPIDOSIS. Identifiers: Orphanet 324, MedGen C0002986, MONDO:0010526, OMIM 301500, HP:0001071. Disease mechanism: Fabry disease is due to inactivating mutations in the X-linked GLA gene resulting in deficiency of the enzyme Alpha Galactosidase-A., loss of function.

Submissions (2):

Women's Health and Genetics/Laboratory Corporation of America, LabCorp
Classification: Pathogenic for Fabry disease. Last evaluated: 2025-05-09. Review status: criteria provided, single submitter. Criteria: LabCorp Variant Classification Summary - May 2015. Collection method: clinical testing. Allele origin: germline.
Comment: Variant summary: GLA c.993_994delTA (p.Arg332ThrfsX6) results in a premature termination codon, predicted to cause a truncation of the encoded protein or absence of the protein due to nonsense mediated decay, which are commonly known mechanisms for disease. The variant was absent in 183391 control chromosomes. To our knowledge, no occurrence of c.993_994delTA in individuals affected with Fabry disease and no experimental evidence demonstrating its impact on protein function have been reported. A downstream variant has been classified as pathogenic at Labcorp (c.1244T>C , p.Leu415Pro), suggesting that loss of this region of the protein is deleterious. No submitters have cited clinical-significance assessments for this variant to ClinVar. Based on the evidence outlined above, the variant was classified as pathogenic.

Labcorp Genetics (formerly Invitae), Labcorp
Classification: Pathogenic for Fabry disease. Last evaluated: 2024-08-29. Review status: criteria provided, single submitter. Criteria: Invitae Variant Classification Sherloc (09022015). Collection method: clinical testing. Allele origin: germline.
Comment: This sequence change creates a premature translational stop signal (p.Arg332Thrfs*6) in the GLA gene. While this is not anticipated to result in nonsense mediated decay, it is expected to disrupt the last 98 amino acid(s) of the GLA protein. This variant is not present in population databases (gnomAD no frequency). This variant has not been reported in the literature in individuals affected with GLA-related conditions. This variant disrupts a region of the GLA protein in which other variant(s) (p.Arg342*) have been determined to be pathogenic (PMID: 8395937, 16595074, 19287194, 20505683). This suggests that this is a clinically significant region of the protein, and that variants that disrupt it are likely to be disease-causing. For these reasons, this variant has been classified as Pathogenic.

Literature cited by the submitters: PubMed 29437868 (cited by Women's Health and Genetics/Laboratory Corporation of America, LabCorp); PubMed 31246960 (cited by Women's Health and Genetics/Laboratory Corporation of America, LabCorp); PubMed 8395937 (cited by Labcorp Genetics (formerly Invitae), Labcorp); PubMed 16595074 (cited by Labcorp Genetics (formerly Invitae), Labcorp); PubMed 19287194 (cited by Labcorp Genetics (formerly Invitae), Labcorp); PubMed 20505683 (cited by Labcorp Genetics (formerly Invitae), Labcorp).

NM_000169.3(GLA):c.993_994del (p.Arg332fs)

Genes: GLA (galactosidase alpha; minus strand), RPL36A-HNRNPH2 (RPL36A-HNRNPH2 readthrough; plus strand). Cytogenetic location: Xq22.1.
Variant type: Deletion.
Coding change: c.993_994del on transcript NM_000169.3 (MANE Select); coding-DNA positions 993 to 994, 2 bases deleted (TA; older notation c.993_994delTA).
Protein change: p.Arg332fs; shifts the reading frame from arginine 332.
Molecular consequence: frameshift variant. On other transcripts: non-coding transcript variant (3), intron variant (2).
Genome position (GRCh38, 1-based): chrX:101,398,375-101,398,376, TA deleted on the plus strand (TA on the coding strand, the reverse complement: GLA is on the minus strand). VCF-style (leftmost placement, unchanged base first): chrX-101398374-CTA-C. GRCh37 (hg19) VCF-style: chrX-100653362-CTA-C.
Other names: c.1116_1117del, p.Arg373fs (NM_001406747.1); c.993_994del, p.Arg332fs (NM_001406748.1); c.300+2918_300+2919del (NM_001199973.2); c.177+6553_177+6554del (NM_001199974.2); c.993_994delTA (NM_000169.3); short protein forms R332fs, R373fs.
Identifiers: ClinVar variation 3663809 (VCV003663809.3).